The following is an entry in ClinVar:

NM_001267550.2(TTN):c.25567G>A (p.Ala8523Thr)

Gene: TTN (titin; minus strand). Cytogenetic location: 2q31.2.
Variant type: single nucleotide variant.
Coding change: c.25567G>A on transcript NM_001267550.2 (MANE Select); coding-DNA position 25567, G replaced by A.
Protein change: p.Ala8523Thr; replaces alanine 8523 with threonine.
Molecular consequence: missense variant. On other transcripts: intron variant (3).
Genome position (GRCh38, 1-based): chr2:178,717,167, C>T on the plus strand (G>A on the coding strand, the complement: TTN is on the minus strand). VCF-style: chr2-178717167-C-T. GRCh37 (hg19) VCF-style: chr2-179581894-C-T.
Other names: c.24616G>A, p.Ala8206Thr (NM_001256850.1); c.21835G>A, p.Ala7279Thr (NM_133378.4); c.13282+20915G>A (NM_003319.4); c.13858+20915G>A (NM_133437.4); c.13657+20915G>A (NM_133432.3); short protein forms A7279T, A8206T, A8523T.
Identifiers: ClinVar variation 2438291 (VCV002438291.4), dbSNP rs1288397933, ClinGen allele CA349484145.
Genomic context (GRCh38, chr2:178,717,167, plus strand): 5'-GCTGAGCAGAACAAGAGTCTTTTCCAGCGATGTTGCTTGCATAGCAGGTGTACTGCCCGG[C>T]ATCGCCTTTGCCTACTTTGAGAACTGTCAGAGTGGCAGTATTTTCTACCAAAGTCATCTT-3'
Protein context (NP_001254479.2, residues 8513-8533): LTVLKVGKGD[Ala8523Thr]GQYTCYASNI

ClinVar aggregate classification (germline): Uncertain significance. Review status: criteria provided, multiple submitters, no conflicts (2 of 4 stars). 2 submissions from 2 submitters: Uncertain significance (2). Last evaluated 2024-07-23.

Allele frequency attached by ClinVar (database versions not stated): gnomAD exomes 0.00001.
gnomAD v4.1: 18 of 1,613,638 alleles (0.0011%); highest among the groups gnomAD compares: Non-Finnish European, 0.0014%; no homozygotes.

Submissions (2):

GeneDx
Classification: Uncertain significance. Last evaluated: 2024-07-23. Review status: criteria provided, single submitter. Criteria: GeneDx Variant Classification Process June 2021. Collection method: clinical testing. Allele origin: germline. Affected: yes.
Comment: Not observed at significant frequency in large population cohorts (gnomAD); Missense variant in a gene in which most reported pathogenic variants are truncating/loss of function; Has not been previously published as pathogenic or benign to our knowledge

Revvity Omics, Revvity
Classification: Uncertain significance. Last evaluated: 2020-03-09. Review status: criteria provided, single submitter. Criteria: ACMG Guidelines, 2015. Collection method: clinical testing. Allele origin: germline.